The following is an entry in ClinVar:

ClinVar aggregate classification (germline): Uncertain significance. Review status: criteria provided, multiple submitters, no conflicts (2 of 4 stars). 3 submissions from 3 submitters: Uncertain significance (3). Last evaluated 2026-06-26.

Conditions:
Inborn genetic diseases. Identifiers: MedGen C0950123, MeSH D030342.

Allele frequency attached by ClinVar (database versions not stated): ExAC 0.00004; gnomAD 0.00004 and 0.00003; TOPMed 0.00005; gnomAD exomes 0.00003.
gnomAD v4.1: 42 of 1,599,072 alleles (0.0026%); highest among the groups gnomAD compares: Middle Eastern, 0.053%; no homozygotes.

Submissions (3):

Women's Health and Genetics/Laboratory Corporation of America, LabCorp
Classification: Uncertain significance. Last evaluated: 2026-06-26. Review status: criteria provided, single submitter. Criteria: LabCorp Variant Classification Summary - May 2015. Collection method: clinical testing. Allele origin: germline.
Comment: Variant summary: LAMC3 c.2968G>A (p.Glu990Lys) results in a conservative amino acid change located in the Laminin-type EGF domain (IPR002049) of the encoded protein sequence. Algorithms developed to predict the effect of missense changes on protein structure and function are either unavailable or do not agree on the potential impact of this missense change. The variant allele was found at a frequency of 2.7e-05 in 222674 control chromosomes. The available data on variant occurrences in the general population are insufficient to allow any conclusion about variant significance. To our knowledge, no occurrence of c.2968G>A in individuals affected with LAMC3-related conditions and no experimental evidence demonstrating its impact on protein function have been reported. ClinVar contains an entry for this variant (Variation ID: 1383450). Based on the evidence outlined above, the variant was classified as uncertain significance.

Labcorp Genetics (formerly Invitae), Labcorp
Classification: Uncertain significance. Last evaluated: 2024-02-15. Review status: criteria provided, single submitter. Criteria: Invitae Variant Classification Sherloc (09022015). Collection method: clinical testing. Allele origin: germline.
Comment: This sequence change replaces glutamic acid, which is acidic and polar, with lysine, which is basic and polar, at codon 990 of the LAMC3 protein (p.Glu990Lys). This variant is present in population databases (rs762908602, gnomAD 0.01%). This variant has not been reported in the literature in individuals affected with LAMC3-related conditions. ClinVar contains an entry for this variant (Variation ID: 1383450). An algorithm developed to predict the effect of missense changes on protein structure and function (PolyPhen-2) suggests that this variant¬†is likely to be tolerated. In summary, the available evidence is currently insufficient to determine the role of this variant in disease. Therefore, it has been classified as a Variant of Uncertain Significance.

Ambry Genetics
Classification: Uncertain significance for Inborn genetic diseases. Last evaluated: 2021-07-14. Review status: criteria provided, single submitter. Criteria: Ambry Variant Classification Scheme 2023. Collection method: clinical testing. Allele origin: germline.

NM_006059.4(LAMC3):c.2968G>A (p.Glu990Lys)

Gene: LAMC3 (laminin subunit gamma 3; plus strand). Cytogenetic location: 9q34.12.
Variant type: single nucleotide variant.
Coding change: c.2968G>A on transcript NM_006059.4 (MANE Select); coding-DNA position 2968, G replaced by A.
Protein change: p.Glu990Lys; replaces glutamic acid 990 with lysine.
Molecular consequence: missense variant.
Genome position (GRCh38, 1-based): chr9:131,069,749, G>A. VCF-style: chr9-131069749-G-A. GRCh37 (hg19) VCF-style: chr9-133945136-G-A.
Other names: c.2968G>A (NM_006059.3); short protein forms E990K.
Identifiers: ClinVar variation 1383450 (VCV001383450.12), dbSNP rs762908602, ClinGen allele CA5287633.